The following is an entry in ClinVar:

NM_001282531.3(ADNP):c.1173A>G (p.Arg391=)

Gene: ADNP (activity dependent neuroprotector homeobox; minus strand). Cytogenetic location: 20q13.13.
Variant type: single nucleotide variant.
Coding change: c.1173A>G on transcript NM_001282531.3 (MANE Select); coding-DNA position 1173, A replaced by G.
Protein change: p.Arg391=; no amino-acid change (arginine 391 retained).
Molecular consequence: synonymous variant.
Genome position (GRCh38, 1-based): chr20:50,893,541, T>C on the plus strand (A>G on the coding strand, the complement: ADNP is on the minus strand). VCF-style: chr20-50893541-T-C. GRCh37 (hg19) VCF-style: chr20-49510078-T-C.
Other names: c.1173A>G, p.Arg391= (NM_001282532.2, NM_001347511.2, NM_015339.5 and 1 more transcripts); c.1389A>G, p.Arg463= (NM_001439000.1); c.489A>G, p.Arg163= (NM_001439001.1).
Identifiers: ClinVar variation 5002953 (VCV005002953.1).

ClinVar aggregate classification (germline): Uncertain significance (1 of 4 stars; one submission).

Submission:

OLLIN Analises Genomicas, OLLIN
Classification: Uncertain significance. Last evaluated: 2026-08-06. Review status: criteria provided, single submitter. Criteria: ACMG Guidelines 2015 PMID 25741868. Collection method: clinical testing. Allele origin: germline.
Comment: This synonymous variant, located in exon 6 (of 6), is absent from gnomAD and ClinVar and has not been identified in the literature. According to the currently available evidence, this variant has been classified as uncertain significance (PM2_P).